The following is an entry in ClinVar:

NM_007103.4(NDUFV1):c.596G>C (p.Arg199Pro)

Gene: NDUFV1 (NADH:ubiquinone oxidoreductase core subunit V1; plus strand). Cytogenetic location: 11q13.2.
Variant type: single nucleotide variant.
Coding change: c.596G>C on transcript NM_007103.4 (MANE Select); coding-DNA position 596, G replaced by C.
Protein change: p.Arg199Pro; replaces arginine 199 with proline.
Molecular consequence: missense variant.
Genome position (GRCh38, 1-based): chr11:67,610,466, G>C. VCF-style: chr11-67610466-G-C. GRCh37 (hg19) VCF-style: chr11-67377937-G-C.
Other names: c.569G>C, p.Arg190Pro (NM_001166102.2); short protein forms R190P, R199P.
Identifiers: ClinVar variation 3385265 (VCV003385265.1).

ClinVar aggregate classification (germline): Uncertain significance (1 of 4 stars; one submission).

gnomAD v4.1: 3 of 1,614,064 alleles (0.00019%); highest among the groups gnomAD compares: Non-Finnish European, 0.00025%; no homozygotes.

Submission:

Women's Health and Genetics/Laboratory Corporation of America, LabCorp
Classification: Uncertain significance. Last evaluated: 2024-10-16. Review status: criteria provided, single submitter. Criteria: LabCorp Variant Classification Summary - May 2015. Collection method: clinical testing. Allele origin: germline.
Comment: Variant summary: NDUFV1 c.596G>C (p.Arg199Pro) results in a non-conservative amino acid change located in the NADH-ubiquinone oxidoreductase 51kDa subunit, FMN-binding domain (IPR011538) of the encoded protein sequence. Four of five in-silico tools predict a damaging effect of the variant on protein function. The variant was absent in 251494 control chromosomes (gnomAD). The available data on variant occurrences in the general population are insufficient to allow any conclusion about variant significance. c.596G>C has been reported in the literature in an individuals affected with Leigh Syndrome (Marin_2013). These data do not allow any conclusion about variant significance. At least one publication reports experimental evidence evaluating an impact on protein function in a yeast model (Varghese_2015). These results showed no damaging effect of this variant. The following publications have been ascertained in the context of this evaluation (PMID: 23266820, 26345448). No submitters have cited clinical-significance assessments for this variant to ClinVar. Based on the evidence outlined above, the variant was classified as uncertain significance.

Literature cited by the submitters: PubMed 26345448; PubMed 23266820.